The following is an entry in ClinVar:

NM_006059.4(LAMC3):c.1076C>G (p.Thr359Arg)

Gene: LAMC3 (laminin subunit gamma 3; plus strand). Cytogenetic location: 9q34.12.
Variant type: single nucleotide variant.
Coding change: c.1076C>G on transcript NM_006059.4 (MANE Select); coding-DNA position 1076, C replaced by G.
Protein change: p.Thr359Arg; replaces threonine 359 with arginine.
Molecular consequence: missense variant.
Genome position (GRCh38, 1-based): chr9:131,038,963, C>G. VCF-style: chr9-131038963-C-G. GRCh37 (hg19) VCF-style: chr9-133914350-C-G.
Other names: short protein forms T359R.
Identifiers: ClinVar variation 1475189 (VCV001475189.8), dbSNP rs1833993390, ClinGen allele CA375258970.

ClinVar aggregate classification (germline): Uncertain significance (1 of 4 stars; one submission).

Allele frequency attached by ClinVar (database versions not stated): gnomAD exomes below 0.00001; gnomAD 0.00001; TOPMed 0.00001.
gnomAD v4.1: 1 of 1,613,442 alleles (0.000062%); highest among the groups gnomAD compares: African/African-American, 0.0013%; no homozygotes.

Submission:

Labcorp Genetics (formerly Invitae), Labcorp
Classification: Uncertain significance. Last evaluated: 2024-10-23. Review status: criteria provided, single submitter. Criteria: Invitae Variant Classification Sherloc (09022015). Collection method: clinical testing. Allele origin: germline.
Comment: This sequence change replaces threonine, which is neutral and polar, with arginine, which is basic and polar, at codon 359 of the LAMC3 protein (p.Thr359Arg). This variant is not present in population databases (gnomAD no frequency). This variant has not been reported in the literature in individuals affected with LAMC3-related conditions. ClinVar contains an entry for this variant (Variation ID: 1475189). An algorithm developed to predict the effect of missense changes on protein structure and function (PolyPhen-2) suggests that this variant is likely to be disruptive. In summary, the available evidence is currently insufficient to determine the role of this variant in disease. Therefore, it has been classified as a Variant of Uncertain Significance.